The following is an entry in ClinVar:

NM_005070.4(SLC4A3):c.1228C>A (p.Arg410=)

Gene: SLC4A3 (solute carrier family 4 member 3; plus strand). Cytogenetic location: 2q35.
Variant type: single nucleotide variant.
Coding change: c.1228C>A on transcript NM_005070.4 (MANE Select); coding-DNA position 1228, C replaced by A.
Protein change: p.Arg410=; no amino-acid change (arginine 410 retained).
Molecular consequence: synonymous variant. On other transcripts: non-coding transcript variant (1).
Genome position (GRCh38, 1-based): chr2:219,632,960, C>A. VCF-style: chr2-219632960-C-A. GRCh37 (hg19) VCF-style: chr2-220497682-C-A.
Other names: p.Arg437=; c.1309C>A, p.Arg437= (NM_001326559.2, NM_201574.3); c.1309C>A (NM_201574.2).
Identifiers: ClinVar variation 3894949 (VCV003894949.2), dbSNP rs115885893.
Genomic context (GRCh38, chr2:219,632,960, plus strand): 5'-ACCACCCTGCCAGGCATTGCACACCTCGTGGTGGAGACCATGATTGTGTCTGACCAGATC[C>A]GGCCGGAGGACAGGGCCAGCGTCCTACGTACCCTGCTACTGAAGCACAGGTGCCGGGGTG-3'
Protein context (NP_005061.3, residues 400-420): VETMIVSDQI[Arg410=]PEDRASVLRT

ClinVar aggregate classification (germline): Likely benign. Review status: criteria provided, multiple submitters, no conflicts (2 of 4 stars). 2 submissions from 2 submitters: Likely benign (2). Last evaluated 2025-04-09.

gnomAD v4.1: 277 of 1,614,042 alleles (0.017%); highest among the groups gnomAD compares: African/African-American, 0.33%; 1 homozygote.

Submissions (2):

Molecular Diagnostic Laboratory for Inherited Cardiovascular Disease, Montreal Heart Institute
Classification: Likely benign. Last evaluated: 2025-04-09. Review status: criteria provided, single submitter. Criteria: ACMG Guidelines, 2015. Collection method: clinical testing. Allele origin: germline. Affected: no.

Mayo Clinic Laboratories, Mayo Clinic
Classification: Likely benign. Last evaluated: 2025-04-01. Review status: criteria provided, single submitter. Criteria: ACMG Guidelines, 2015. Collection method: clinical testing. Allele origin: germline. Observed: 2 variant alleles.
Comment: BP4, BP7